The following is an entry in ClinVar:

NM_001042492.3(NF1):c.4904A>G (p.Tyr1635Cys)

Gene: NF1 (neurofibromin 1; plus strand). Cytogenetic location: 17q11.2.
Variant type: single nucleotide variant.
Coding change: c.4904A>G on transcript NM_001042492.3 (MANE Select); coding-DNA position 4904, A replaced by G.
Protein change: p.Tyr1635Cys; replaces tyrosine 1635 with cysteine.
Molecular consequence: missense variant.
Genome position (GRCh38, 1-based): chr17:31,325,888, A>G. VCF-style: chr17-31325888-A-G. GRCh37 (hg19) VCF-style: chr17-29652906-A-G.
Other names: c.4841A>G, p.Tyr1614Cys (NM_000267.4); short protein forms Y1614C, Y1635C.
Identifiers: ClinVar variation 186332 (VCV000186332.6), dbSNP rs786202866, ClinGen allele CA194510.

ClinVar aggregate classification (germline): Uncertain significance. Review status: criteria provided, multiple submitters, no conflicts (2 of 4 stars). 3 submissions from 3 submitters: Uncertain significance (3). Last evaluated 2025-09-18.

Conditions:
Juvenile myelomonocytic leukemia (JMML). Also called: LEUKEMIA, JUVENILE MYELOMONOCYTIC, SOMATIC. Identifiers: Orphanet 86834, MedGen C0349639, MONDO:0011908, OMIM 607785, HP:0012209.
Café-au-lait macules with pulmonary stenosis (WTSN). Also called: PULMONIC STENOSIS WITH CAFE-AU-LAIT SPOTS. Identifiers: MedGen C0553586, MONDO:0008672, OMIM 193520.
Neurofibromatosis, type 1 (NF1). Also called: NEUROFIBROMATOSIS, TYPE I, SOMATIC; VON RECKLINGHAUSEN DISEASE; Peripheral type neurofibromatosis; Neurofibromatosis, type I. Identifiers: Orphanet 636, MedGen C0027831, MONDO:0018975, OMIM 162200. Disease mechanism: loss of function.
Neurofibromatosis-Noonan syndrome (NFNS). Also called: NEUROFIBROMATOSIS WITH NOONAN PHENOTYPE. Identifiers: Orphanet 638, MedGen C2931482, MONDO:0011035, OMIM 601321. Disease mechanism: loss of function.
Neurofibromatosis, familial spinal (FSNF). Identifiers: Orphanet 636, MedGen C1834235, MONDO:0008078, OMIM 162210. Disease mechanism: loss of function.
Hereditary cancer-predisposing syndrome. Also called: Hereditary Cancer Syndrome; Neoplastic Syndromes, Hereditary; Tumor predisposition; Hereditary neoplastic syndrome. Identifiers: Orphanet 140162, MedGen C0027672, MeSH D009386, MONDO:0015356.

Submissions (3):

Labcorp Genetics (formerly Invitae), Labcorp
Classification: Uncertain significance for Neurofibromatosis, type 1. Last evaluated: 2025-09-18. Review status: criteria provided, single submitter. Criteria: Invitae Variant Classification Sherloc (09022015). Collection method: clinical testing. Allele origin: germline.
Comment: This sequence change replaces tyrosine, which is neutral and polar, with cysteine, which is neutral and slightly polar, at codon 1614 of the NF1 protein (p.Tyr1614Cys). This variant is not present in population databases (gnomAD no frequency). This variant has not been reported in the literature in individuals affected with NF1-related conditions. ClinVar contains an entry for this variant (Variation ID: 186332). Invitae Evidence Modeling of protein sequence and biophysical properties (such as structural, functional, and spatial information, amino acid conservation, physicochemical variation, residue mobility, and thermodynamic stability) has been performed for this missense variant. However, the output from this modeling did not meet the statistical confidence thresholds required to predict the impact of this variant on NF1 protein function. In summary, the available evidence is currently insufficient to determine the role of this variant in disease. Therefore, it has been classified as a Variant of Uncertain Significance.

Fulgent Genetics
Classification: Uncertain significance for Neurofibromatosis, type 1; Neurofibromatosis, familial spinal; Café-au-lait macules with pulmonary stenosis; Neurofibromatosis-Noonan syndrome; Juvenile myelomonocytic leukemia. Last evaluated: 2024-03-09. Review status: criteria provided, single submitter. Criteria: ACMG Guidelines, 2015. Collection method: clinical testing. Allele origin: germline.

Ambry Genetics
Classification: Uncertain significance for Hereditary cancer-predisposing syndrome. Last evaluated: 2014-09-24. Review status: criteria provided, single submitter. Criteria: Ambry Autosomal Dominant and X-Linked criteria (10/2015). Collection method: clinical testing. Allele origin: germline. Observed: 1 variant allele.
Comment: The p.Y1635C variant (also known as c.4904A>G), located in coding exon 37 of the NF1 gene, results from an A to G substitution at nucleotide position 4904. The tyrosine at codon 1635 is replaced by cysteine, an amino acid with highly dissimilar properties. This variant was not reported in population based cohorts in the following databases: Database of Single Nucleotide Polymorphisms (dbSNP), NHLBI Exome Sequencing Project (ESP), and 1000 Genomes Project. In the ESP, this variant was not observed in 6503 samples (13006 alleles) with coverage at this position. To date, this alteration has been detected with an allele frequency of approximately 0.01% (greater than 11,000 alleles tested) in our clinical cohort. Based on protein sequence alignment, this amino acid position is highly conserved in available vertebrate species. In addition, the in silico prediction for this alteration is inconclusive. Since supporting evidence is limited at this time, the clinical significance of p.Y1635C remains unclear.